The following is an entry in ClinVar:

ClinVar aggregate classification (germline): Conflicting classifications of pathogenicity. Review status: criteria provided, conflicting classifications (1 of 4 stars). 2 submissions from 2 submitters: Uncertain significance (1); Benign (1). Last evaluated 2025-09-09.

Conditions:
Hereditary cancer-predisposing syndrome. Also called: Neoplastic Syndromes, Hereditary; Hereditary Cancer Syndrome; Hereditary neoplastic syndrome; Tumor predisposition. Identifiers: Orphanet 140162, MedGen C0027672, MeSH D009386, MONDO:0015356.
Familial adenomatous polyposis 2. Also called: Adenomas, multiple colorectal; MUTYH Polyposis; COLORECTAL ADENOMATOUS POLYPOSIS, AUTOSOMAL RECESSIVE; ADENOMAS, MULTIPLE COLORECTAL, AUTOSOMAL RECESSIVE; FAP type 2; MUTYH-associated polyposis. Identifiers: Orphanet 220460, Orphanet 247798, MedGen C3272841, MONDO:0012041, OMIM 608456.

Submissions (2):

Ambry Genetics
Classification: Benign for Hereditary cancer-predisposing syndrome. Last evaluated: 2025-09-09. Review status: criteria provided, single submitter. Criteria: Ambry Variant Classification Scheme 2023. Collection method: clinical testing. Allele origin: germline.

Labcorp Genetics (formerly Invitae), Labcorp
Classification: Uncertain significance for Familial adenomatous polyposis 2. Last evaluated: 2024-04-24. Review status: criteria provided, single submitter. Criteria: Invitae Variant Classification Sherloc (09022015). Collection method: clinical testing. Allele origin: germline.
Comment: This sequence change replaces alanine, which is neutral and non-polar, with glutamic acid, which is acidic and polar, at codon 547 of the MUTYH protein (p.Ala547Glu). This variant is not present in population databases (gnomAD no frequency). This variant has not been reported in the literature in individuals affected with MUTYH-related conditions. ClinVar contains an entry for this variant (Variation ID: 1036120). An algorithm developed to predict the effect of missense changes on protein structure and function (PolyPhen-2) suggests that this variant is likely to be tolerated. In summary, the available evidence is currently insufficient to determine the role of this variant in disease. Therefore, it has been classified as a Variant of Uncertain Significance.

NM_001048174.2(MUTYH):c.1556C>A (p.Ala519Glu)

Gene: MUTYH (mutY DNA glycosylase; minus strand). Cytogenetic location: 1p34.1.
Variant type: single nucleotide variant.
Coding change: c.1556C>A on transcript NM_001048174.2 (MANE Select); coding-DNA position 1556, C replaced by A.
Protein change: p.Ala519Glu; replaces alanine 519 with glutamic acid.
Molecular consequence: missense variant. On other transcripts: non-coding transcript variant (2).
Genome position (GRCh38, 1-based): chr1:45,329,316, G>T on the plus strand (C>A on the coding strand, the complement: MUTYH is on the minus strand). VCF-style: chr1-45329316-G-T. GRCh37 (hg19) VCF-style: chr1-45794988-G-T.
Other names: c.1556C>A, p.Ala519Glu (NM_001048171.2, NM_001048173.2, NM_001293195.2); c.1559C>A, p.Ala520Glu (NM_001048172.2); c.1640C>A, p.Ala547Glu (NM_001128425.2); c.1601C>A, p.Ala534Glu (NM_001293190.2); c.1589C>A, p.Ala530Glu (NM_001293191.2); c.1280C>A, p.Ala427Glu (NM_001293192.2, NM_001293196.2); c.1211C>A, p.Ala404Glu (NM_001350650.2, NM_001350651.2); c.1631C>A, p.Ala544Glu (NM_012222.3); short protein forms A544E, A520E, A530E, A427E, A534E, A404E, A519E, A547E.
Identifiers: ClinVar variation 1036120 (VCV001036120.13), dbSNP rs1553122784, ClinGen allele CA340131492.